The following is an entry in ClinVar:

NM_007294.4(BRCA1):c.-19-9G>C

Gene: BRCA1 (BRCA1 DNA repair associated; minus strand). Cytogenetic location: 17q21.31.
Variant type: single nucleotide variant.
Coding change: c.-19-9G>C on transcript NM_007294.4 (MANE Select); 9 bases into the intron before 19 bases upstream of the start codon, G replaced by C.
Molecular consequence: intron variant.
Genome position (GRCh38, 1-based): chr17:43,124,124, C>G on the plus strand (G>C on the coding strand, the complement: BRCA1 is on the minus strand). VCF-style: chr17-43124124-C-G. GRCh37 (hg19) VCF-style: chr17-41276141-C-G.
Other names: c.-106-9G>C (NM_007297.4); c.-19-9G>C (NM_007299.4, NM_007300.4).
Identifiers: ClinVar variation 385189 (VCV000385189.9), dbSNP rs776177740, ClinGen allele CA054976.
Genomic context (GRCh38, chr17:43,124,124, plus strand): 5'-TACTTCTTCAACGCGAAGAGCAGATAAATCCATTTCTTTCTGTTCCAATGAACTTTAACA[C>G]ATTAGAAAAACATATATATATATCTTTTTAAAAGGTTTATAAAATGACAACTTCATTTTA-3'

ClinVar aggregate classification (germline): Likely benign. Review status: criteria provided, multiple submitters, no conflicts (2 of 4 stars). 2 submissions from 2 submitters: Likely benign (2). Last evaluated 2025-05-23.

Conditions:
Hereditary breast ovarian cancer syndrome. Also called: Hereditary breast and ovarian cancer syndrome; Hereditary breast and ovarian cancer; Breast and ovarian cancer; BRCA1- and BRCA2-Associated Hereditary Breast and Ovarian Cancer; Hereditary breast and/or ovarian cancer syndrome; Hereditary breast and ovarian cancer syndrome (HBOC). Identifiers: Orphanet 145, MedGen C0677776, MeSH D061325, MONDO:0003582. Disease mechanism: loss of function.

Allele frequency attached by ClinVar (database versions not stated): gnomAD exomes below 0.00001; TOPMed below 0.00001; ExAC 0.00001.
gnomAD v4.1: 7 of 1,491,086 alleles (0.00047%); highest among the groups gnomAD compares: South Asian, 0.0079%; no homozygotes.

Submissions (2):

Labcorp Genetics (formerly Invitae), Labcorp
Classification: Likely benign for Hereditary breast ovarian cancer syndrome. Last evaluated: 2025-05-23. Review status: criteria provided, single submitter. Criteria: Invitae Variant Classification Sherloc (09022015). Collection method: clinical testing. Allele origin: germline.

GeneDx
Classification: Likely benign. Last evaluated: 2016-03-28. Review status: criteria provided, single submitter. Criteria: GeneDx Variant Classification (06012015). Collection method: clinical testing. Allele origin: germline. Affected: yes.
Comment: This variant is considered likely benign or benign based on one or more of the following criteria: it is a conservative change, it occurs at a poorly conserved position in the protein, it is predicted to be benign by multiple in silico algorithms, and/or has population frequency not consistent with disease.